The following is an entry in ClinVar:

ClinVar aggregate classification (germline): Uncertain significance (1 of 4 stars; one submission).

Submission:

Labcorp Genetics (formerly Invitae), Labcorp
Classification: Uncertain significance. Last evaluated: 2023-01-07. Review status: criteria provided, single submitter. Criteria: Invitae Variant Classification Sherloc (09022015). Collection method: clinical testing. Allele origin: germline.
Comment: This sequence change replaces lysine, which is basic and polar, with glutamic acid, which is acidic and polar, at codon 684 of the XPR1 protein (p.Lys684Glu). This variant is not present in population databases (gnomAD no frequency). This variant has not been reported in the literature in individuals affected with XPR1-related conditions. Algorithms developed to predict the effect of missense changes on protein structure and function (SIFT, PolyPhen-2, Align-GVGD) all suggest that this variant is likely to be tolerated. In summary, the available evidence is currently insufficient to determine the role of this variant in disease. Therefore, it has been classified as a Variant of Uncertain Significance.

NM_004736.4(XPR1):c.2050A>G (p.Lys684Glu)

Gene: XPR1 (xenotropic and polytropic retrovirus receptor 1; plus strand). Cytogenetic location: 1q25.3.
Variant type: single nucleotide variant.
Coding change: c.2050A>G on transcript NM_004736.4 (MANE Select); coding-DNA position 2050, A replaced by G.
Protein change: p.Lys684Glu; replaces lysine 684 with glutamic acid.
Molecular consequence: missense variant. On other transcripts: non-coding transcript variant (1).
Genome position (GRCh38, 1-based): chr1:180,884,025, A>G. VCF-style: chr1-180884025-A-G. GRCh37 (hg19) VCF-style: chr1-180853161-A-G.
Other names: c.1855A>G, p.Lys619Glu (NM_001135669.2); short protein forms K684E, K619E.
Identifiers: ClinVar variation 2986262 (VCV002986262.3), dbSNP rs2526077399, ClinGen allele CA343599551.